The following is an entry in ClinVar:

NM_182961.4(SYNE1):c.661C>A (p.Arg221=)

Gene: SYNE1 (spectrin repeat containing nuclear envelope protein 1; minus strand). Cytogenetic location: 6q25.2.
Variant type: single nucleotide variant.
Coding change: c.661C>A on transcript NM_182961.4 (MANE Select); coding-DNA position 661, C replaced by A.
Protein change: p.Arg221=; no amino-acid change (arginine 221 retained).
Molecular consequence: synonymous variant.
Genome position (GRCh38, 1-based): chr6:152,505,318, G>T on the plus strand (C>A on the coding strand, the complement: SYNE1 is on the minus strand). VCF-style: chr6-152505318-G-T. GRCh37 (hg19) VCF-style: chr6-152826453-G-T.
Other names: c.682C>A, p.Arg228= (NM_033071.5).
Identifiers: ClinVar variation 995289 (VCV000995289.4), dbSNP rs750266004, ClinGen allele CA452762931.

ClinVar aggregate classification (germline): Uncertain significance. Review status: criteria provided, multiple submitters, no conflicts (2 of 4 stars). 2 submissions from 2 submitters: Uncertain significance (2). Last evaluated 2023-04-29.

Conditions:
Autosomal recessive ataxia, Beauce type. Also called: ATAXIA, RECESSIVE, OF BEAUCE; Spinocerebellar ataxia, autosomal recessive 8; SYNE1-Related Autosomal Recessive Cerebellar Ataxia; SYNE1 Deficiency. Identifiers: Orphanet 88644, MedGen C1853116, MONDO:0012549, OMIM 610743.
Emery-Dreifuss muscular dystrophy 4, autosomal dominant (EDMD4). Also called: EMERY-DREIFUSS MUSCULAR DYSTROPHY 4 WITH VARIABLE FEATURES. Identifiers: Orphanet 261, MedGen C2751807, MONDO:0013071, OMIM 612998.

Submissions (2):

Labcorp Genetics (formerly Invitae), Labcorp
Classification: Uncertain significance for Emery-Dreifuss muscular dystrophy 4, autosomal dominant; Autosomal recessive ataxia, Beauce type. Last evaluated: 2023-04-29. Review status: criteria provided, single submitter. Criteria: Invitae Variant Classification Sherloc (09022015). Collection method: clinical testing. Allele origin: germline.
Comment: Algorithms developed to predict the effect of sequence changes on RNA splicing suggest that this variant may create or strengthen a splice site. This sequence change affects codon 228 of the SYNE1 mRNA. It is a 'silent' change, meaning that it does not change the encoded amino acid sequence of the SYNE1 protein. This variant is not present in population databases (gnomAD no frequency). This variant has not been reported in the literature in individuals affected with SYNE1-related conditions. ClinVar contains an entry for this variant (Variation ID: 995289). In summary, the available evidence is currently insufficient to determine the role of this variant in disease. Therefore, it has been classified as a Variant of Uncertain Significance.

Athena Diagnostics
Classification: Uncertain significance. Last evaluated: 2019-10-14. Review status: criteria provided, single submitter. Criteria: Athena Diagnostics Criteria. Collection method: clinical testing. Allele origin: unknown.